The following is an entry in ClinVar:

ClinVar aggregate classification (germline): Uncertain significance (1 of 4 stars; one submission).

Conditions:
Inborn genetic diseases. Identifiers: MedGen C0950123, MeSH D030342.

gnomAD v4.1: 5 of 1,614,092 alleles (0.00031%); highest among the groups gnomAD compares: Non-Finnish European, 0.00042%; no homozygotes.

Submission:

Ambry Genetics
Classification: Uncertain significance for Inborn genetic diseases. Last evaluated: 2024-03-21. Review status: criteria provided, single submitter. Criteria: Ambry Variant Classification Scheme 2023. Collection method: clinical testing. Allele origin: germline.
Comment: The p.N240S variant (also known as c.719A>G), located in coding exon 6 of the MIB1 gene, results from an A to G substitution at nucleotide position 719. The asparagine at codon 240 is replaced by serine, an amino acid with highly similar properties. This amino acid position is conserved. In addition, this alteration is predicted to be tolerated by in silico analysis. Based on the available evidence, the clinical significance of this alteration remains unclear.

NM_020774.4(MIB1):c.719A>G (p.Asn240Ser)

Gene: MIB1 (MIB E3 ubiquitin protein ligase 1; plus strand). Cytogenetic location: 18q11.2.
Variant type: single nucleotide variant.
Coding change: c.719A>G on transcript NM_020774.4 (MANE Select); coding-DNA position 719, A replaced by G.
Protein change: p.Asn240Ser; replaces asparagine 240 with serine.
Molecular consequence: missense variant.
Genome position (GRCh38, 1-based): chr18:21,779,496, A>G. VCF-style: chr18-21779496-A-G. GRCh37 (hg19) VCF-style: chr18-19359457-A-G.
Other names: short protein forms N240S.
Identifiers: ClinVar variation 3294696 (VCV003294696.1).